The following is an entry in ClinVar:

NM_033656.4(BRWD1):c.1002T>C (p.Val334=)

Gene: BRWD1 (bromodomain and WD repeat domain containing 1; minus strand). Cytogenetic location: 21q22.2.
Variant type: single nucleotide variant.
Coding change: c.1002T>C on transcript NM_033656.4 (MANE Select); coding-DNA position 1002, T replaced by C.
Protein change: p.Val334=; no amino-acid change (valine 334 retained).
Molecular consequence: synonymous variant.
Genome position (GRCh38, 1-based): chr21:39,278,744, A>G on the plus strand (T>C on the coding strand, the complement: BRWD1 is on the minus strand). VCF-style: chr21-39278744-A-G. GRCh37 (hg19) VCF-style: chr21-40650670-A-G.
Other names: c.1002T>C, p.Val334= (NM_018963.5).
Identifiers: ClinVar variation 3037457 (VCV003037457.2), dbSNP rs60360876, ClinGen allele CA10027621.
Genomic context (GRCh38, chr21:39,278,744, plus strand): 5'-GTCATTTAATAGATGTTTAAAAAAAAAAAACTAAGAAAAAAATGTGAAGAAGTTCTTACC[A>G]ACACTAAAAGAAGAACAAAGCATTTGAACGCCTGGCCTAGGCTTTTCAGTGAACTTCAGG-3'
Protein context (NP_387505.1, residues 324-344): GVQMLCSSFS[Val334=]GGMFLATGST

ClinVar aggregate classification (germline): Benign (0 of 4 stars; one submission).

Conditions:
BRWD1-related disorder. Also called: BRWD1-related condition.

Allele frequency attached by ClinVar (database versions not stated): gnomAD exomes 0.00493; ExAC 0.01722; gnomAD 0.05301; TOPMed 0.05820; ESP Exome Variant Server 0.05897; 1000 Genomes Project 0.06070; 1000 Genomes Project 30x 0.06465.
gnomAD v4.1: 15,448 of 1,579,208 alleles (0.98%); highest among the groups gnomAD compares: African/African-American, 18%; 1,334 homozygotes.

Submission:

PreventionGenetics, part of Exact Sciences
Classification: Benign for BRWD1-related condition. Last evaluated: 2019-06-04. Review status: no assertion criteria provided. Collection method: clinical testing. Allele origin: germline.
Comment: This variant is classified as benign based on ACMG/AMP sequence variant interpretation guidelines (Richards et al. 2015 PMID: 25741868, with internal and published modifications).